The following is an entry in ClinVar:

ClinVar aggregate classification (germline): Uncertain significance (1 of 4 stars; one submission).

Submission:

Labcorp Genetics (formerly Invitae), Labcorp
Classification: Uncertain significance. Last evaluated: 2018-01-22. Review status: criteria provided, single submitter. Criteria: Invitae Variant Classification Sherloc (09022015). Collection method: clinical testing. Allele origin: germline.
Comment: This variant, c.802_803insTCGGCGGGG, results in the insertion of 3 amino acid(s) to the NKX2-1 protein (p.Gly267_Gly268insValGlyGly), but otherwise preserves the integrity of the reading frame. While this variant is not present in population databases, the frequency information is unreliable, as metrics indicate poor data quality at this position in the ExAC database. This variant has not been reported in the literature in individuals with NKX2-1-related disease. Experimental studies and prediction algorithms are not available for this variant, and the functional significance of the p.Gly267_Gly268insValGlyGly amino acid(s) is currently unknown. In summary, the available evidence is currently insufficient to determine the role of this variant in disease. Therefore, it has been classified as a Variant of Uncertain Significance.

NM_001079668.3(NKX2-1):c.802_803insTCGGCGGGG (p.Gly267_Gly268insValGlyGly)

Genes: NKX2-1 (NK2 homeobox 1; minus strand), SFTA3 (surfactant associated 3; minus strand). Cytogenetic location: 14q13.3.
Variant type: Microsatellite.
Coding change: c.802_803insTCGGCGGGG on transcript NM_001079668.3 (MANE Select); coding-DNA positions 802 to 803, TCGGCGGGG inserted.
Protein change: p.Gly267_Gly268insValGlyGly.
Molecular consequence: inframe insertion.
Genome position: GRCh38 VCF-style: chr14-36517681-C-CCCCCGCCGA. GRCh37 (hg19) VCF-style: chr14-36986886-C-CCCCCGCCGA.
Other names: c.712_713insTCGGCGGGG, p.Gly237_Gly238insValGlyGly (NM_003317.4).
Identifiers: ClinVar variation 1000583 (VCV001000583.8), dbSNP rs1881101718.